The following is an entry in ClinVar:

NM_001377540.1(SLMAP):c.857G>A (p.Cys286Tyr)

Gene: SLMAP (sarcolemma associated protein; plus strand). Cytogenetic location: 3p14.3.
Variant type: single nucleotide variant.
Coding change: c.857G>A on transcript NM_001377540.1 (MANE Select); coding-DNA position 857, G replaced by A.
Protein change: p.Cys286Tyr; replaces cysteine 286 with tyrosine.
Molecular consequence: missense variant. On other transcripts: non-coding transcript variant (1).
Genome position (GRCh38, 1-based): chr3:57,861,977, G>A. VCF-style: chr3-57861977-G-A. GRCh37 (hg19) VCF-style: chr3-57847704-G-A.
Other names: c.857G>A, p.Cys286Tyr (NM_001304420.3, NM_001304421.2, NM_001377538.1 and 17 more transcripts); short protein forms C286Y.
Identifiers: ClinVar variation 4800542 (VCV004800542.1).

ClinVar aggregate classification (germline): Uncertain significance (1 of 4 stars; one submission).

Conditions:
Brugada syndrome. Also called: Sudden unexpected nocturnal death syndrome; Sudden unexplained nocturnal death syndrome; Sudden Unexplained Death Syndrome; Sudden Unexplained Nocturnal Death Syndrome (SUNDS). Identifiers: Orphanet 130, MedGen C1142166, MONDO:0015263.

Submission:

Labcorp Genetics (formerly Invitae), Labcorp
Classification: Uncertain significance for Brugada syndrome. Last evaluated: 2025-02-19. Review status: criteria provided, single submitter. Criteria: Invitae Variant Classification Sherloc (09022015). Collection method: clinical testing. Allele origin: germline.
Comment: This sequence change replaces cysteine, which is neutral and slightly polar, with tyrosine, which is neutral and polar, at codon 286 of the SLMAP protein (p.Cys286Tyr). This variant is present in population databases (rs746659404, gnomAD 0.006%). This variant has not been reported in the literature in individuals affected with SLMAP-related conditions. An algorithm developed to predict the effect of missense changes on protein structure and function (PolyPhen-2) suggests that this variant is likely to be disruptive. In summary, the available evidence is currently insufficient to determine the role of this variant in disease. Therefore, it has been classified as a Variant of Uncertain Significance.